The following is an entry in ClinVar:

NM_004006.3(DMD):c.4174C>T (p.Gln1392Ter)

Gene: DMD (dystrophin; minus strand). Cytogenetic location: Xp21.1.
Variant type: single nucleotide variant.
Coding change: c.4174C>T on transcript NM_004006.3 (MANE Select); coding-DNA position 4174, C replaced by T.
Protein change: p.Gln1392Ter; replaces glutamine 1392 with a stop codon.
Molecular consequence: nonsense.
Genome position (GRCh38, 1-based): chrX:32,411,811, G>A on the plus strand (C>T on the coding strand, the complement: DMD is on the minus strand). VCF-style: chrX-32411811-G-A. GRCh37 (hg19) VCF-style: chrX-32429928-G-A.
Other names: c.4150C>T, p.Gln1384Ter (NM_000109.4); c.4162C>T, p.Gln1388Ter (NM_004009.3); c.3805C>T, p.Gln1269Ter (NM_004010.3); c.151C>T, p.Gln51Ter (NM_004011.4); c.142C>T, p.Gln48Ter (NM_004012.4); short protein forms Q1392*, Q1269*, Q1384*, Q51*, Q1388*, Q48*.
Identifiers: ClinVar variation 286833 (VCV000286833.14), dbSNP rs886043496, ClinGen allele CA10605586.

ClinVar aggregate classification (germline): Pathogenic. Review status: criteria provided, multiple submitters, no conflicts (2 of 4 stars). 3 submissions from 3 submitters: Pathogenic (3). Last evaluated 2026-02-20.

Conditions:
Duchenne muscular dystrophy (DMD). Also called: MUSCULAR DYSTROPHY, PSEUDOHYPERTROPHIC PROGRESSIVE, DUCHENNE TYPE; Duchenne Muscular Dystrophy (DMD). Identifiers: Orphanet 98896, MedGen C0013264, MONDO:0010679, OMIM 310200.

Submissions (3):

GeneDx
Classification: Pathogenic. Last evaluated: 2026-02-20. Review status: criteria provided, single submitter. Criteria: GeneDx Variant Classification Process June 2021. Collection method: clinical testing. Allele origin: germline.
Comment: Not observed at significant frequency in large population cohorts (gnomAD); Nonsense variant predicted to result in protein truncation or nonsense mediated decay in a gene for which loss of function is a known mechanism of disease; Based on the understanding of this genetic alteration, it may be amenable to nonsense read-through therapy that is currently available or in clinical trial; This variant is associated with the following publications: (PMID: 29604111, 26930423, 25972034)

Labcorp Genetics (formerly Invitae), Labcorp
Classification: Pathogenic for Duchenne muscular dystrophy. Last evaluated: 2026-01-12. Review status: criteria provided, single submitter. Criteria: Invitae Variant Classification Sherloc (09022015). Collection method: clinical testing. Allele origin: germline.
Comment: This sequence change creates a premature translational stop signal (p.Gln1392*) in the DMD gene. It is expected to result in an absent or disrupted protein product. Loss-of-function variants in DMD are known to be pathogenic (PMID: 16770791, 25007885). This variant is not present in population databases (gnomAD no frequency). This premature translational stop signal has been observed in individuals with Duchenne or Becker muscular dystrophy (PMID: 25972034, 29604111). ClinVar contains an entry for this variant (Variation ID: 286833). For these reasons, this variant has been classified as Pathogenic.

Eurofins Ntd Llc (ga)
Classification: Pathogenic. Last evaluated: 2017-09-27. Review status: criteria provided, single submitter. Criteria: EGL Classification Definitions 2015. Collection method: clinical testing. Allele origin: germline. Observed: 2 variant alleles, 1 heterozygote, 1 hemizygote.

Literature cited by the submitters: PubMed 16770791 (cited by Labcorp Genetics (formerly Invitae), Labcorp); PubMed 25007885 (cited by Labcorp Genetics (formerly Invitae), Labcorp); PubMed 25972034 (cited by Labcorp Genetics (formerly Invitae), Labcorp and Eurofins Ntd Llc (ga)); PubMed 29604111 (cited by Labcorp Genetics (formerly Invitae), Labcorp).